The following is an entry in ClinVar:

ClinVar aggregate classification (germline): Uncertain significance (0 of 4 stars; one submission).

Conditions:
RNF213-related disorder. Also called: RNF213-related condition.

Allele frequency attached by ClinVar (database versions not stated): ExAC 0.00002; gnomAD 0.00003; TOPMed 0.00004; ESP Exome Variant Server 0.00008; gnomAD exomes 0.00012.
gnomAD v4.1: 179 of 1,614,006 alleles (0.011%); highest among the groups gnomAD compares: Non-Finnish European, 0.014%; no homozygotes.

Submission:

PreventionGenetics, part of Exact Sciences
Classification: Uncertain significance for RNF213-related condition. Last evaluated: 2024-01-04. Review status: no assertion criteria provided. Collection method: clinical testing. Allele origin: germline.
Comment: The RNF213 c.6843G>A variant is predicted to result in the amino acid substitution p.Met2281Ile. To our knowledge, this variant has not been reported in the literature. This variant is reported in 0.0088% of alleles in individuals of European (Non-Finnish) descent in gnomAD. At this time, the clinical significance of this variant is uncertain due to the absence of conclusive functional and genetic evidence.

NM_001256071.3(RNF213):c.6843G>A (p.Met2281Ile)

Gene: RNF213 (ring finger protein 213; plus strand). Cytogenetic location: 17q25.3.
Variant type: single nucleotide variant.
Coding change: c.6843G>A on transcript NM_001256071.3 (MANE Select); coding-DNA position 6843, G replaced by A.
Protein change: p.Met2281Ile; replaces methionine 2281 with isoleucine.
Molecular consequence: missense variant.
Genome position (GRCh38, 1-based): chr17:80,345,178, G>A. VCF-style: chr17-80345178-G-A. GRCh37 (hg19) VCF-style: chr17-78318978-G-A.
Other names: c.6990G>A, p.Met2330Ile (NM_001410195.1, NM_020914.5); short protein forms M2281I, M2330I.
Identifiers: ClinVar variation 3047706 (VCV003047706.2), dbSNP rs199745423, ClinGen allele CA8820621.